The following is an entry in ClinVar:

NM_003000.3(SDHB):c.418G>A (p.Val140Ile)

Gene: SDHB (succinate dehydrogenase complex iron sulfur subunit B; minus strand). Cytogenetic location: 1p36.13.
Variant type: single nucleotide variant.
Coding change: c.418G>A on transcript NM_003000.3 (MANE Select); coding-DNA position 418, G replaced by A.
Protein change: p.Val140Ile; replaces valine 140 with isoleucine.
Molecular consequence: missense variant. On other transcripts: intron variant (1).
Genome position (GRCh38, 1-based): chr1:17,028,605, C>T on the plus strand (G>A on the coding strand, the complement: SDHB is on the minus strand). VCF-style: chr1-17028605-C-T. GRCh37 (hg19) VCF-style: chr1-17355100-C-T.
Other names: c.369+49G>A (NM_001407361.1); short protein forms V140I.
Identifiers: ClinVar variation 2562718 (VCV002562718.2), dbSNP rs267607032, ClinGen allele CA338273866.
Genomic context (GRCh38, chr1:17,028,605, plus strand): 5'-ATAGCACTGCCCCCCATGCAAATAAAAACAAAACCAGAGAGATGCAGAAACTCACGGGAA[C>T]AAGATCCTTTATCACATACATGTGTGGAAGAGGGTAGATTTTTGAGACCTTATTGAGGTT-3'
Protein context (NP_002991.2, residues 130-150): LPHMYVIKDL[Val140Ile]PDLSNFYAQY

ClinVar aggregate classification (germline): Uncertain significance (1 of 4 stars; one submission).

Conditions:
Hereditary cancer-predisposing syndrome. Also called: Neoplastic Syndromes, Hereditary; Hereditary Cancer Syndrome; Hereditary neoplastic syndrome; Tumor predisposition. Identifiers: Orphanet 140162, MedGen C0027672, MeSH D009386, MONDO:0015356.

Submission:

Ambry Genetics
Classification: Uncertain significance for Hereditary cancer-predisposing syndrome. Last evaluated: 2023-05-25. Review status: criteria provided, single submitter. Criteria: Ambry Variant Classification Scheme 2023. Collection method: clinical testing. Allele origin: germline.
Comment: The p.V140I variant (also known as c.418G>A), located in coding exon 4 of the SDHB gene, results from a G to A substitution at nucleotide position 418. The valine at codon 140 is replaced by isoleucine, an amino acid with highly similar properties. This amino acid position is highly conserved in available vertebrate species. In addition, the in silico prediction for this alteration is inconclusive. Since supporting evidence is limited at this time, the clinical significance of this alteration remains unclear.